The following is an entry in ClinVar:

ClinVar aggregate classification (germline): Uncertain significance (1 of 4 stars; one submission).

Submission:

Women's Health and Genetics/Laboratory Corporation of America, LabCorp
Classification: Uncertain significance. Last evaluated: 2024-09-15. Review status: criteria provided, single submitter. Criteria: LabCorp Variant Classification Summary - May 2015. Collection method: clinical testing. Allele origin: germline.
Comment: Variant summary: TTN c.1009A>C (p.Thr337Pro) results in a non-conservative amino acid change located in the Z-disk region of the encoded protein sequence. Four of five in-silico tools predict a benign effect of the variant on protein function. The variant was absent in 251044 control chromosomes. The available data on variant occurrences in the general population are insufficient to allow any conclusion about variant significance. To our knowledge, no occurrence of c.1009A>C in individuals affected with Limb-Girdle Muscular Dystrophy, Type 2J and no experimental evidence demonstrating its impact on protein function have been reported. No submitters have cited clinical-significance assessments for this variant to ClinVar. Based on the evidence outlined above, the variant was classified as uncertain significance.

NM_001267550.2(TTN):c.1009A>C (p.Thr337Pro)

Gene: TTN (titin; minus strand). Cytogenetic location: 2q31.2.
Variant type: single nucleotide variant.
Coding change: c.1009A>C on transcript NM_001267550.2 (MANE Select); coding-DNA position 1009, A replaced by C.
Protein change: p.Thr337Pro; replaces threonine 337 with proline.
Molecular consequence: missense variant.
Genome position (GRCh38, 1-based): chr2:178,795,158, T>G on the plus strand (A>C on the coding strand, the complement: TTN is on the minus strand). VCF-style: chr2-178795158-T-G. GRCh37 (hg19) VCF-style: chr2-179659885-T-G.
Other names: c.1009A>C, p.Thr337Pro (NM_001256850.1, NM_003319.4, NM_133378.4 and 3 more transcripts); short protein forms T337P.
Identifiers: ClinVar variation 3374783 (VCV003374783.1).